The following is an entry in ClinVar:

ClinVar aggregate classification (germline): Uncertain significance (1 of 4 stars; one submission).

Allele frequency attached by ClinVar (database versions not stated): gnomAD exomes below 0.00001.
gnomAD v4.1: 4 of 1,614,126 alleles (0.00025%); highest among the groups gnomAD compares: South Asian, 0.0044%; no homozygotes.

Submission:

ARUP Laboratories, Molecular Genetics and Genomics, ARUP Laboratories
Classification: Uncertain significance. Last evaluated: 2020-03-01. Review status: criteria provided, single submitter. Criteria: ARUP Molecular Germline Variant Investigation Process. Collection method: clinical testing. Allele origin: germline.
Comment: The GDF5 c.262C>G; p.Gln88Glu variant, to our knowledge, is not reported in the medical literature or gene specific databases. This variant is also absent from general population databases (Exome Variant Server, Genome Aggregation Database), indicating it is not a common polymorphism. The glutamine at codon 88 is weakly conserved, and computational analyses (SIFT, PolyPhen-2) predict that this variant is tolerated. Due to limited information, the clinical significance of the p.Gln88Glu variant is uncertain at this time.

NM_000557.5(GDF5):c.262C>G (p.Gln88Glu)

Gene: GDF5 (growth differentiation factor 5; minus strand). Cytogenetic location: 20q11.22.
Variant type: single nucleotide variant.
Coding change: c.262C>G on transcript NM_000557.5 (MANE Select); coding-DNA position 262, C replaced by G.
Protein change: p.Gln88Glu; replaces glutamine 88 with glutamic acid.
Molecular consequence: missense variant.
Genome position (GRCh38, 1-based): chr20:35,437,667, G>C on the plus strand (C>G on the coding strand, the complement: GDF5 is on the minus strand). VCF-style: chr20-35437667-G-C. GRCh37 (hg19) VCF-style: chr20-34025447-G-C.
Other names: c.262C>G, p.Gln88Glu (NM_001319138.2); short protein forms Q88E.
Identifiers: ClinVar variation 994130 (VCV000994130.8), dbSNP rs2062479573, ClinGen allele CA408744427.